The following is an entry in ClinVar:

ClinVar aggregate classification (germline): Uncertain significance. Review status: criteria provided, multiple submitters, no conflicts (2 of 4 stars). 2 submissions from 2 submitters: Uncertain significance (2). Last evaluated 2024-01-02.

Allele frequency attached by ClinVar (database versions not stated): gnomAD exomes below 0.00001.
gnomAD v4.1: 2 of 1,527,260 alleles (0.00013%); highest among the groups gnomAD compares: Non-Finnish European, 0.00018%; no homozygotes.

Submissions (2):

Ambry Genetics
Classification: Uncertain significance. Last evaluated: 2024-01-02. Review status: criteria provided, single submitter. Criteria: Ambry Variant Classification Scheme 2023. Collection method: clinical testing. Allele origin: germline.

Labcorp Genetics (formerly Invitae), Labcorp
Classification: Uncertain significance. Last evaluated: 2022-07-05. Review status: criteria provided, single submitter. Criteria: Invitae Variant Classification Sherloc (09022015). Collection method: clinical testing. Allele origin: germline.
Comment: In summary, the available evidence is currently insufficient to determine the role of this variant in disease. Therefore, it has been classified as a Variant of Uncertain Significance. Algorithms developed to predict the effect of missense changes on protein structure and function are either unavailable or do not agree on the potential impact of this missense change (SIFT: "Deleterious"; PolyPhen-2: "Probably Damaging"; Align-GVGD: "Class C0"). ClinVar contains an entry for this variant (Variation ID: 1517434). This variant has not been reported in the literature in individuals affected with ZNF341-related conditions. This variant is not present in population databases (gnomAD no frequency). This sequence change replaces histidine, which is basic and polar, with arginine, which is basic and polar, at codon 518 of the ZNF341 protein (p.His518Arg).

NM_001282933.2(ZNF341):c.1574A>G (p.His525Arg)

Gene: ZNF341 (zinc finger protein 341; plus strand). Cytogenetic location: 20q11.22.
Variant type: single nucleotide variant.
Coding change: c.1574A>G on transcript NM_001282933.2 (MANE Select); coding-DNA position 1574, A replaced by G.
Protein change: p.His525Arg; replaces histidine 525 with arginine.
Molecular consequence: missense variant. On other transcripts: non-coding transcript variant (1).
Genome position (GRCh38, 1-based): chr20:33,770,244, A>G. VCF-style: chr20-33770244-A-G. GRCh37 (hg19) VCF-style: chr20-32358050-A-G.
Other names: c.1304A>G, p.His435Arg (NM_001282935.2); c.1553A>G, p.His518Arg (NM_032819.5); c.1553A>G (NM_032819.3); short protein forms H435R, H525R, H518R.
Identifiers: ClinVar variation 1517434 (VCV001517434.5), dbSNP rs2122705564, ClinGen allele CA408658503.
Genomic context (GRCh38, chr20:33,770,244, plus strand): 5'-GCCACCTCTGCGGCAAGGACTTCCCCTCGCTGTACGACCTGGGCGTGCACCAGTACTCCC[A>G]CAGCCTCCTGCCACAGCACAGCCCCAAGAAGGACAATGCCGTCTACAAGTAAGTGCCTCC-3'
Protein context (NP_001269862.1, residues 515-535): LYDLGVHQYS[His525Arg]SLLPQHSPKK